The following is an entry in ClinVar:

NM_006031.6(PCNT):c.6015G>C (p.Leu2005=)

Gene: PCNT (pericentrin; plus strand). Cytogenetic location: 21q22.3.
Variant type: single nucleotide variant.
Coding change: c.6015G>C on transcript NM_006031.6 (MANE Select); coding-DNA position 6015, G replaced by C.
Protein change: p.Leu2005=; no amino-acid change (leucine 2005 retained).
Molecular consequence: synonymous variant.
Genome position (GRCh38, 1-based): chr21:46,412,857, G>C. VCF-style: chr21-46412857-G-C. GRCh37 (hg19) VCF-style: chr21-47832771-G-C.
Other names: c.6015G>C (NM_006031.5); c.5661G>C, p.Leu1887= (NM_001315529.2).
Identifiers: ClinVar variation 2981338 (VCV002981338.4), dbSNP rs1250398274, ClinGen allele CA512732498.
Genomic context (GRCh38, chr21:46,412,857, plus strand): 5'-CCTCCTGCATGCTCAGCTTTCCTCTGTCTCCTCTGTCAAGGGTGATCTGCAGCCTGTCCT[G>C]GTGACGTTGAAGGATGCACCTCTCTGCAAGCAAGAAGGCGTGATGTCAGTGCTCACCGTC-3'
Protein context (NP_006022.3, residues 1995-2015): PDPQGDLQPV[Leu2005=]VTLKDAPLCK

ClinVar aggregate classification (germline): Likely benign. Review status: criteria provided, multiple submitters, no conflicts (2 of 4 stars). 2 submissions from 2 submitters: Likely benign (2). Last evaluated 2024-11-12.

Conditions:
PCNT-related disorder. Also called: PCNT-related condition.

Allele frequency attached by ClinVar (database versions not stated): gnomAD 0.00001; TOPMed 0.00004.
gnomAD v4.1: 3 of 1,612,172 alleles (0.00019%); highest among the groups gnomAD compares: African/African-American, 0.0027%; no homozygotes.

Submissions (2):

PreventionGenetics, part of Exact Sciences
Classification: Likely benign for PCNT-related condition. Last evaluated: 2024-11-12. Review status: criteria provided, single submitter. Criteria: ACMG Guidelines, 2015. Collection method: clinical testing. Allele origin: germline.
Comment: This variant is classified as likely benign based on ACMG/AMP sequence variant interpretation guidelines (Richards et al. 2015 PMID: 25741868, with internal and published modifications).

Labcorp Genetics (formerly Invitae), Labcorp
Classification: Likely benign. Last evaluated: 2023-05-13. Review status: criteria provided, single submitter. Criteria: Invitae Variant Classification Sherloc (09022015). Collection method: clinical testing. Allele origin: germline.